The following is an entry in ClinVar:

NM_001613.4(ACTA2):c.677A>C (p.Glu226Ala)

Genes: ACTA2-AS1 (ACTA2 antisense RNA 1; plus strand), ACTA2 (actin alpha 2, smooth muscle; minus strand). Cytogenetic location: 10q23.31.
Variant type: single nucleotide variant.
Coding change: c.677A>C on transcript NM_001613.4 (MANE Select); coding-DNA position 677, A replaced by C.
Protein change: p.Glu226Ala; replaces glutamic acid 226 with alanine.
Molecular consequence: missense variant. On other transcripts: non-coding transcript variant (1), intron variant (1).
Genome position (GRCh38, 1-based): chr10:88,939,638, T>G on the plus strand (A>C on the coding strand, the complement: ACTA2 is on the minus strand). VCF-style: chr10-88939638-T-G. GRCh37 (hg19) VCF-style: chr10-90699395-T-G.
Other names: c.677A>C, p.Glu226Ala (NM_001141945.3, NM_001320855.2, NM_001406462.1 and 2 more transcripts); c.566A>C, p.Glu189Ala (NM_001406466.1); c.548A>C, p.Glu183Ala (NM_001406467.1, NM_001406468.1, NM_001406469.1); c.617-1396A>C (NM_001406471.1); short protein forms E226A, E183A, E189A.
Identifiers: ClinVar variation 2497611 (VCV002497611.3), dbSNP rs2494528772, ClinGen allele CA377511421.
Genomic context (GRCh38, chr10:88,939,638, plus strand): 5'-TCAGGCAACTCGTAACTCTTCTCAAGGGAGGATGAGGATGCGGCAGTGGCCATCTCATTT[T>G]CAAAGTCCAGAGCTACATAACACAGTTTCTCCTTGATGTCCCGGACAATCTCACGCTCAG-3'
Protein context (NP_001604.1, residues 216-236): EKLCYVALDF[Glu226Ala]NEMATAASSS

ClinVar aggregate classification (germline): Uncertain significance. Review status: criteria provided, multiple submitters, no conflicts (2 of 4 stars). 2 submissions from 2 submitters: Uncertain significance (2). Last evaluated 2025-06-14.

Conditions:
Familial thoracic aortic aneurysm and aortic dissection (TAAD). Also called: Thoracic aortic aneurysms and dissections. Identifiers: Orphanet 91387, MedGen C4707243, MONDO:0019625.
Aortic aneurysm, familial thoracic 6 (AAT6). Also called: FAMILIAL THORACIC AORTIC ANEURYSM WITH LIVEDO RETICULARIS AND IRIS FLOCCULI. Identifiers: MedGen C2673186, MONDO:0012730, OMIM 611788.

Submissions (2):

Labcorp Genetics (formerly Invitae), Labcorp
Classification: Uncertain significance for Aortic aneurysm, familial thoracic 6. Last evaluated: 2025-06-14. Review status: criteria provided, single submitter. Criteria: Invitae Variant Classification Sherloc (09022015). Collection method: clinical testing. Allele origin: germline.
Comment: This sequence change replaces glutamic acid, which is acidic and polar, with alanine, which is neutral and non-polar, at codon 226 of the ACTA2 protein (p.Glu226Ala). This variant is not present in population databases (gnomAD no frequency). This variant has not been reported in the literature in individuals affected with ACTA2-related conditions. ClinVar contains an entry for this variant (Variation ID: 2497611). Invitae Evidence Modeling of protein sequence and biophysical properties (such as structural, functional, and spatial information, amino acid conservation, physicochemical variation, residue mobility, and thermodynamic stability) indicates that this missense variant is not expected to disrupt ACTA2 protein function with a negative predictive value of 80%. In summary, the available evidence is currently insufficient to determine the role of this variant in disease. Therefore, it has been classified as a Variant of Uncertain Significance.

Ambry Genetics
Classification: Uncertain significance for Familial thoracic aortic aneurysm and aortic dissection. Last evaluated: 2022-11-02. Review status: criteria provided, single submitter. Criteria: Ambry Variant Classification Scheme 2023. Collection method: clinical testing. Allele origin: germline.
Comment: The p.E226A variant (also known as c.677A>C), located in coding exon 6 of the ACTA2 gene, results from an A to C substitution at nucleotide position 677. The glutamic acid at codon 226 is replaced by alanine, an amino acid with dissimilar properties. This amino acid position is conserved. In addition, this alteration is predicted to be deleterious by in silico analysis. Since supporting evidence is limited at this time, the clinical significance of this alteration remains unclear.